The following is an entry in ClinVar:

NM_001002295.2(GATA3):c.872A>T (p.Tyr291Phe)

Gene: GATA3 (GATA binding protein 3; plus strand). Cytogenetic location: 10p14.
Variant type: single nucleotide variant.
Coding change: c.872A>T on transcript NM_001002295.2 (MANE Select); coding-DNA position 872, A replaced by T.
Protein change: p.Tyr291Phe; replaces tyrosine 291 with phenylalanine.
Molecular consequence: missense variant. On other transcripts: 5 prime UTR variant (1), intron variant (1).
Genome position (GRCh38, 1-based): chr10:8,064,086, A>T. VCF-style: chr10-8064086-A-T. GRCh37 (hg19) VCF-style: chr10-8106049-A-T.
Other names: c.872A>T, p.Tyr291Phe (NM_001441115.1, NM_001441116.1, NM_001441117.1 and 9 more transcripts); c.869A>T, p.Tyr290Phe (NM_001441124.1, NM_001441125.1, NM_001441126.1 and 5 more transcripts); c.-8A>T (NM_001441135.1); c.778+5245A>T (NM_001441134.1); short protein forms Y290F, Y291F.
Identifiers: ClinVar variation 4887022 (VCV004887022.1).

ClinVar aggregate classification (germline): Uncertain significance (1 of 4 stars; one submission).

Conditions:
Hypoparathyroidism, deafness, renal disease syndrome (HDRS). Also called: HYPOPARATHYROIDISM, SENSORINEURAL DEAFNESS, AND RENAL DYSPLASIA SYNDROME. Identifiers: Orphanet 2237, MedGen C1840333, MONDO:0007797, OMIM 146255.

Submission:

MVZ Medizinische Genetik Mainz
Classification: Uncertain significance for Hypoparathyroidism, deafness, renal disease syndrome. Last evaluated: 2026-08-04. Review status: criteria provided, single submitter. Criteria: UK Practice Guidelines For Variant Classification V4 01 2020. Collection method: clinical testing. Allele origin: germline. Inheritance: Autosomal dominant inheritance. Affected: yes. Observed: 1 variant allele.
Comment: ACMG Criteria: PP3_MOD,PM2_SUP,PP2